The following is an entry in ClinVar:

NM_002528.7(NTHL1):c.636G>T (p.Lys212Asn)

Gene: NTHL1 (nth like DNA glycosylase 1; minus strand). Cytogenetic location: 16p13.3.
Variant type: single nucleotide variant.
Coding change: c.636G>T on transcript NM_002528.7 (MANE Select); coding-DNA position 636, G replaced by T.
Protein change: p.Lys212Asn; replaces lysine 212 with asparagine.
Molecular consequence: missense variant.
Genome position (GRCh38, 1-based): chr16:2,043,616, C>A on the plus strand (G>T on the coding strand, the complement: NTHL1 is on the minus strand). VCF-style: chr16-2043616-C-A. GRCh37 (hg19) VCF-style: chr16-2093617-C-A.
Other names: c.465G>T, p.Lys155Asn (NM_001318193.2); c.306G>T, p.Lys102Asn (NM_001318194.2); short protein forms K102N, K212N, K155N.
Identifiers: ClinVar variation 5025911 (VCV005025911.1).
Genomic context (GRCh38, chr16:2,043,616, plus strand): 5'-CCTCTACTCACCAATGCCTGACACAGTGCCCCAGGCCACAGCCATAGCCAGGTGTGCCAT[C>A]TTGGGCCCAACACCCGGCAGCGCCACCAGCTCGGCCACAGAGGCTGGGATGTCCCCACCG-3'
Protein context (NP_002519.2, residues 202-222): ELVALPGVGP[Lys212Asn]MAHLAMAVAW

ClinVar aggregate classification (germline): Uncertain significance (1 of 4 stars; one submission).

Conditions:
Hereditary cancer-predisposing syndrome. Also called: Neoplastic Syndromes, Hereditary; Tumor predisposition; Hereditary neoplastic syndrome; Hereditary Cancer Syndrome. Identifiers: Orphanet 140162, MedGen C0027672, MeSH D009386, MONDO:0015356.

Submission:

Ambry Genetics
Classification: Uncertain significance for Hereditary cancer-predisposing syndrome. Last evaluated: 2026-07-07. Review status: criteria provided, single submitter. Criteria: Ambry Variant Classification Scheme 2023. Collection method: clinical testing. Allele origin: germline.
Comment: The p.K220N variant (also known as c.660G>T), located in coding exon 4 of the NTHL1 gene, results from a G to T substitution at nucleotide position 660. The lysine at codon 220 is replaced by asparagine, an amino acid with similar properties. This amino acid position is conserved. In addition, the in silico prediction for this alteration is inconclusive. Based on the available evidence, the clinical significance of this variant remains unclear.